The following is an entry in ClinVar:

NM_033109.5(PNPT1):c.859A>G (p.Thr287Ala)

Gene: PNPT1 (polyribonucleotide nucleotidyltransferase 1; minus strand). Cytogenetic location: 2p16.1.
Variant type: single nucleotide variant.
Coding change: c.859A>G on transcript NM_033109.5 (MANE Select); coding-DNA position 859, A replaced by G.
Protein change: p.Thr287Ala; replaces threonine 287 with alanine.
Molecular consequence: missense variant.
Genome position (GRCh38, 1-based): chr2:55,672,900, T>C on the plus strand (A>G on the coding strand, the complement: PNPT1 is on the minus strand). VCF-style: chr2-55672900-T-C. GRCh37 (hg19) VCF-style: chr2-55900035-T-C.
Other names: short protein forms T287A.
Identifiers: ClinVar variation 1385562 (VCV001385562.6), dbSNP rs1572824007, ClinGen allele CA346933394.

ClinVar aggregate classification (germline): Uncertain significance (1 of 4 stars; one submission).

gnomAD v4.1: 2 of 1,598,062 alleles (0.00013%); highest among the groups gnomAD compares: East Asian, 0.0045%; no homozygotes.

Submission:

Labcorp Genetics (formerly Invitae), Labcorp
Classification: Uncertain significance. Last evaluated: 2022-09-07. Review status: criteria provided, single submitter. Criteria: Invitae Variant Classification Sherloc (09022015). Collection method: clinical testing. Allele origin: germline.
Comment: This sequence change replaces threonine, which is neutral and polar, with alanine, which is neutral and non-polar, at codon 287 of the PNPT1 protein (p.Thr287Ala). This variant is not present in population databases (gnomAD no frequency). This variant has not been reported in the literature in individuals affected with PNPT1-related conditions. ClinVar contains an entry for this variant (Variation ID: 1385562). Advanced modeling of protein sequence and biophysical properties (such as structural, functional, and spatial information, amino acid conservation, physicochemical variation, residue mobility, and thermodynamic stability) performed at Invitae indicates that this missense variant is not expected to disrupt PNPT1 protein function. In summary, the available evidence is currently insufficient to determine the role of this variant in disease. Therefore, it has been classified as a Variant of Uncertain Significance.